The following is an entry in ClinVar:

NM_001374828.1(ARID1B):c.4835dup (p.Tyr1613fs)

Gene: ARID1B (AT-rich interaction domain 1B; plus strand). Cytogenetic location: 6q25.3.
Variant type: Duplication.
Coding change: c.4835dup on transcript NM_001374828.1 (MANE Select); coding-DNA position 4835, one base duplicated (C; older notation c.4835dupC).
Protein change: p.Tyr1613fs; shifts the reading frame from tyrosine 1613.
Molecular consequence: frameshift variant.
Genome position (GRCh38, 1-based): chr6:157,201,060, C duplicated; the last of 5 consecutive C bases (chr6:157,201,056-157,201,060); duplicating any one gives the same sequence. VCF-style (leftmost placement, unchanged base first): chr6-157201055-G-GC. GRCh37 (hg19) VCF-style: chr6-157522189-G-GC.
Other names: c.4466dup (NM_020732.3); c.2336dup, p.Tyr780fs (NM_001363725.2); c.4715dup, p.Tyr1573fs (NM_001371656.1, NM_001374820.1); c.4676dup, p.Tyr1560fs (NM_017519.3); short protein forms Y1560fs, Y1573fs, Y1613fs, Y780fs.
Identifiers: ClinVar variation 988498 (VCV000988498.2), dbSNP rs1794071513, ClinGen allele CA1139659898.

ClinVar aggregate classification (germline): Pathogenic. Review status: criteria provided, multiple submitters, no conflicts (2 of 4 stars). 2 submissions from 2 submitters: Pathogenic (2). Last evaluated 2024-06-07.

Submissions (2):

GeneDx
Classification: Pathogenic. Last evaluated: 2024-06-07. Review status: criteria provided, single submitter. Criteria: GeneDx Variant Classification Process June 2021. Collection method: clinical testing. Allele origin: germline. Affected: yes.
Comment: Apparently de novo variant in a patient included in a cohort of individuals undergoing whole genome sequencing, however, clinical information was not provided (PMID: 33726816); Frameshift variant predicted to result in protein truncation or nonsense mediated decay in a gene for which loss of function is a known mechanism of disease; Not observed at significant frequency in large population cohorts (gnomAD); This variant is associated with the following publications: (PMID: 33726816)

Clinical Genetics and Genomics, Karolinska University Hospital
Classification: Pathogenic. Last evaluated: 2017-10-26. Review status: criteria provided, single submitter. Criteria: ACMG Guidelines, 2015. Collection method: clinical testing. Allele origin: germline. Affected: yes. Observed: 1 variant allele.